The following is an entry in ClinVar:

ClinVar aggregate classification (germline): Likely benign (1 of 4 stars; one submission).

Submission:

GeneDx
Classification: Likely benign. Last evaluated: 2025-10-03. Review status: criteria provided, single submitter. Criteria: GeneDx Variant Classification Process June 2021. Collection method: clinical testing. Allele origin: germline. Affected: yes.
Comment: See Variant Classification Assertion Criteria.

NM_001112741.2(KCNC1):c.680T>C (p.Val227Ala)

Gene: KCNC1 (potassium voltage-gated channel subfamily C member 1; plus strand). Cytogenetic location: 11p15.1.
Variant type: single nucleotide variant.
Coding change: c.680T>C on transcript NM_001112741.2 (MANE Select); coding-DNA position 680, T replaced by C.
Protein change: p.Val227Ala; replaces valine 227 with alanine.
Molecular consequence: missense variant.
Genome position (GRCh38, 1-based): chr11:17,771,774, T>C. VCF-style: chr11-17771774-T-C. GRCh37 (hg19) VCF-style: chr11-17793321-T-C.
Other names: c.680T>C, p.Val227Ala (NM_004976.4); short protein forms V227A.
Identifiers: ClinVar variation 3373332 (VCV003373332.3).